The following is an entry in ClinVar:

ClinVar aggregate classification (germline): Uncertain significance. Review status: criteria provided, multiple submitters, no conflicts (2 of 4 stars). 2 submissions from 2 submitters: Uncertain significance (2). Last evaluated 2024-09-23.

Conditions:
Familial thoracic aortic aneurysm and aortic dissection (TAAD). Also called: Thoracic aortic aneurysms and dissections. Identifiers: Orphanet 91387, MedGen C4707243, MONDO:0019625.

Submissions (2):

GeneDx
Classification: Uncertain significance. Last evaluated: 2024-09-23. Review status: criteria provided, single submitter. Criteria: GeneDx Variant Classification Process June 2021. Collection method: clinical testing. Allele origin: germline. Affected: yes.
Comment: Frameshift variant predicted to result in protein truncation or nonsense mediated decay in a gene for which loss-of-function is not a known mechanism of disease; Not observed at significant frequency in large population cohorts (gnomAD); Has not been previously published as pathogenic or benign to our knowledge

Labcorp Genetics (formerly Invitae), Labcorp
Classification: Uncertain significance for Familial thoracic aortic aneurysm and aortic dissection. Last evaluated: 2024-03-30. Review status: criteria provided, single submitter. Criteria: Invitae Variant Classification Sherloc (09022015). Collection method: clinical testing. Allele origin: germline.
Comment: This sequence change creates a premature translational stop signal (p.Gly253Valfs*11) in the TGFBR2 gene. It is expected to result in an absent or disrupted protein product. However, the current clinical and genetic evidence is not sufficient to establish whether loss-of-function variants in TGFBR2 cause disease. This variant is not present in population databases (gnomAD no frequency). This variant has not been reported in the literature in individuals affected with TGFBR2-related conditions. In summary, the available evidence is currently insufficient to determine the role of this variant in disease. Therefore, it has been classified as a Variant of Uncertain Significance.

NM_003242.6(TGFBR2):c.753del (p.Gly253fs)

Gene: TGFBR2 (transforming growth factor beta receptor 2; plus strand). Cytogenetic location: 3p24.1.
Variant type: Deletion.
Coding change: c.753del on transcript NM_003242.6 (MANE Select); coding-DNA position 753, one base deleted (G; older notation c.753delG).
Protein change: p.Gly253fs; shifts the reading frame from glycine 253.
Molecular consequence: frameshift variant. On other transcripts: intron variant (1).
Genome position (GRCh38, 1-based): chr3:30,671,936, G deleted; the last of 4 consecutive G bases (chr3:30,671,933-30,671,936); deleting any one gives the same sequence. VCF-style (leftmost placement, unchanged base first): chr3-30671932-TG-T. GRCh37 (hg19) VCF-style: chr3-30713424-TG-T.
Other names: c.753del (NM_003242.5); c.828del, p.Gly278fs (NM_001024847.3); c.936del, p.Gly314fs (NM_001407126.1); c.861del, p.Gly289fs (NM_001407127.1); c.780del, p.Gly262fs (NM_001407128.1); c.756del, p.Gly254fs (NM_001407129.1); c.753del, p.Gly253fs (NM_001407130.1); c.648del, p.Gly218fs (NM_001407132.1, NM_001407133.1, NM_001407134.1 and 2 more transcripts); and 3 more; short protein forms G254fs, G262fs, G314fs, G133fs, G158fs, G278fs, G218fs, G253fs.
Identifiers: ClinVar variation 3693934 (VCV003693934.3).